The following is an entry in ClinVar:

ClinVar aggregate classification (germline): Uncertain significance. Review status: criteria provided, multiple submitters, no conflicts (2 of 4 stars). 2 submissions from 2 submitters: Uncertain significance (2). Last evaluated 2025-10-21.

Conditions:
Inborn genetic diseases. Identifiers: MedGen C0950123, MeSH D030342.
Developmental delay with or without intellectual impairment or behavioral abnormalities. Identifiers: MedGen C5562004, MONDO:0859199, OMIM 619575.

gnomAD v4.1: 6 of 1,613,960 alleles (0.00037%); highest among the groups gnomAD compares: African/African-American, 0.0013%; no homozygotes.

Submissions (2):

Clinical Genomics Laboratory, Washington University in St. Louis
Classification: Uncertain significance for Developmental delay with or without intellectual impairment or behavioral abnormalities. Last evaluated: 2025-10-21. Review status: criteria provided, single submitter. Criteria: ACMG Guidelines, 2015. Collection method: clinical testing. Allele origin: germline.
Comment: The TAOK1 c.2783G>T (p.Gly928Val) variant, to our knowledge, has not been reported in the medical literature and is absent from the general population (gnomAD v4.1.0), indicating it is not a common variant. This variant has been reported in the ClinVar database as a germline variant of uncertain significance by one submitter. This variant occurs in a predicted disordered domain without known function and computational predictors suggest that the variant does not impact TAOK1 function. Due to limited information, and based on ACMG/AMP guidelines for variant interpretation (Richards S et al., PMID: 25741868), the clinical significance of this variant is uncertain at this time.

Ambry Genetics
Classification: Uncertain significance for Inborn genetic diseases. Last evaluated: 2025-06-10. Review status: criteria provided, single submitter. Criteria: Ambry Variant Classification Scheme 2023. Collection method: clinical testing. Allele origin: germline.

NM_020791.4(TAOK1):c.2783G>T (p.Gly928Val)

Gene: TAOK1 (TAO kinase 1; plus strand). Cytogenetic location: 17q11.2.
Variant type: single nucleotide variant.
Coding change: c.2783G>T on transcript NM_020791.4 (MANE Select); coding-DNA position 2783, G replaced by T.
Protein change: p.Gly928Val; replaces glycine 928 with valine.
Molecular consequence: missense variant.
Genome position (GRCh38, 1-based): chr17:29,542,799, G>T. VCF-style: chr17-29542799-G-T. GRCh37 (hg19) VCF-style: chr17-27869817-G-T.
Other names: c.2339G>T, p.Gly780Val (NM_025142.1); short protein forms G780V, G928V.
Identifiers: ClinVar variation 3965355 (VCV003965355.2).